The following is an entry in ClinVar:

NM_004104.5(FASN):c.4982T>G (p.Val1661Gly)

Gene: FASN (fatty acid synthase; minus strand). Cytogenetic location: 17q25.3.
Variant type: single nucleotide variant.
Coding change: c.4982T>G on transcript NM_004104.5 (MANE Select); coding-DNA position 4982, T replaced by G.
Protein change: p.Val1661Gly; replaces valine 1661 with glycine.
Molecular consequence: missense variant.
Genome position (GRCh38, 1-based): chr17:82,084,091, A>C on the plus strand (T>G on the coding strand, the complement: FASN is on the minus strand). VCF-style: chr17-82084091-A-C. GRCh37 (hg19) VCF-style: chr17-80041967-A-C.
Other names: short protein forms V1661G.
Identifiers: ClinVar variation 4713669 (VCV004713669.1).

ClinVar aggregate classification (germline): Uncertain significance (1 of 4 stars; one submission).

Conditions:
Epileptic encephalopathy. Identifiers: MedGen C0543888, HP:0200134.

Submission:

Labcorp Genetics (formerly Invitae), Labcorp
Classification: Uncertain significance for Epileptic encephalopathy. Last evaluated: 2025-02-23. Review status: criteria provided, single submitter. Criteria: Invitae Variant Classification Sherloc (09022015). Collection method: clinical testing. Allele origin: germline.
Comment: This sequence change replaces valine, which is neutral and non-polar, with glycine, which is neutral and non-polar, at codon 1661 of the FASN protein (p.Val1661Gly). This variant is not present in population databases (gnomAD no frequency). This variant has not been reported in the literature in individuals affected with FASN-related conditions. An algorithm developed to predict the effect of missense changes on protein structure and function (PolyPhen-2) suggests that this variant is likely to be disruptive. In summary, the available evidence is currently insufficient to determine the role of this variant in disease. Therefore, it has been classified as a Variant of Uncertain Significance.